The following is an entry in ClinVar:

ClinVar aggregate classification (germline): Pathogenic (1 of 4 stars; one submission).

Conditions:
Aicardi-Goutieres syndrome 2. Identifiers: Orphanet 51, MedGen C3489724, MONDO:0012429, OMIM 610181.

Submission:

Labcorp Genetics (formerly Invitae), Labcorp
Classification: Pathogenic for Aicardi-Goutieres syndrome 2. Last evaluated: 2023-09-29. Review status: criteria provided, single submitter. Criteria: Invitae Variant Classification Sherloc (09022015). Collection method: clinical testing. Allele origin: germline.
Comment: For these reasons, this variant has been classified as Pathogenic. This variant has not been reported in the literature in individuals affected with RNASEH2B-related conditions. This variant is not present in population databases (gnomAD no frequency). This sequence change creates a premature translational stop signal (p.Ser217Leufs*8) in the RNASEH2B gene. It is expected to result in an absent or disrupted protein product. Loss-of-function variants in RNASEH2B are known to be pathogenic (PMID: 17846997).

Literature cited by the submitters: PubMed 17846997.

NM_024570.4(RNASEH2B):c.648del (p.Ser217fs)

Gene: RNASEH2B (ribonuclease H2 subunit B; plus strand). Cytogenetic location: 13q14.3.
Variant type: Deletion.
Coding change: c.648del on transcript NM_024570.4 (MANE Select); coding-DNA position 648, one base deleted (A; older notation c.648delA).
Protein change: p.Ser217fs; shifts the reading frame from serine 217.
Molecular consequence: frameshift variant.
Genome position (GRCh38, 1-based): chr13:50,948,018, A deleted. VCF-style (leftmost placement, unchanged base first): chr13-50948017-TA-T. GRCh37 (hg19) VCF-style: chr13-51522153-TA-T.
Other names: c.648del, p.Ser217fs (NM_001142279.2, NM_001411023.1); short protein forms S217fs.
Identifiers: ClinVar variation 2764119 (VCV002764119.3), dbSNP rs2541531608, ClinGen allele CA2697551837.